The following is an entry in ClinVar:

NM_000286.3(PEX12):c.1025C>T (p.Thr342Ile)

Gene: PEX12 (peroxisomal biogenesis factor 12; minus strand). Cytogenetic location: 17q12.
Variant type: single nucleotide variant.
Coding change: c.1025C>T on transcript NM_000286.3 (MANE Select); coding-DNA position 1025, C replaced by T.
Protein change: p.Thr342Ile; replaces threonine 342 with isoleucine.
Molecular consequence: missense variant.
Genome position (GRCh38, 1-based): chr17:35,575,837, G>A on the plus strand (C>T on the coding strand, the complement: PEX12 is on the minus strand). VCF-style: chr17-35575837-G-A. GRCh37 (hg19) VCF-style: chr17-33902856-G-A.
Other names: short protein forms T342I.
Identifiers: ClinVar variation 1912073 (VCV001912073.2), dbSNP rs1438187271, ClinGen allele CA399136869.

ClinVar aggregate classification (germline): Uncertain significance (1 of 4 stars; one submission).

Conditions:
Peroxisome biogenesis disorder 3A (Zellweger). Also called: Peroxisome biogenesis disorder 3A; PEROXISOMAL BIOGENESIS DISORDER 3A (ZELLWEGER). Identifiers: Orphanet 912, MedGen C3553929, MONDO:0013927, OMIM 614859.

Submission:

Labcorp Genetics (formerly Invitae), Labcorp
Classification: Uncertain significance for Peroxisome biogenesis disorder 3A (Zellweger). Last evaluated: 2022-02-28. Review status: criteria provided, single submitter. Criteria: Invitae Variant Classification Sherloc (09022015). Collection method: clinical testing. Allele origin: germline.
Comment: This sequence change replaces threonine, which is neutral and polar, with isoleucine, which is neutral and non-polar, at codon 342 of the PEX12 protein (p.Thr342Ile). This variant is not present in population databases (gnomAD no frequency). This variant has not been reported in the literature in individuals affected with PEX12-related conditions. Algorithms developed to predict the effect of missense changes on protein structure and function are either unavailable or do not agree on the potential impact of this missense change (SIFT: "Deleterious"; PolyPhen-2: "Probably Damaging"; Align-GVGD: "Class C15"). In summary, the available evidence is currently insufficient to determine the role of this variant in disease. Therefore, it has been classified as a Variant of Uncertain Significance.